The following is an entry in ClinVar:

ClinVar aggregate classification (germline): Likely benign. Review status: criteria provided, multiple submitters, no conflicts (2 of 4 stars). 3 submissions from 3 submitters: Likely benign (3). Last evaluated 2025-10-24.

Conditions:
KLHL7-related disorder. Also called: KLHL7-related disorders; KLHL7-related condition.

Allele frequency attached by ClinVar (database versions not stated): ExAC 0.00001; gnomAD 0.00002 and 0.00003; gnomAD exomes 0.00002 and 0.00005; TOPMed 0.00003.
gnomAD v4.1: 82 of 1,613,818 alleles (0.0051%); highest among the groups gnomAD compares: Non-Finnish European, 0.0066%; no homozygotes.

Submissions (3):

PreventionGenetics, part of Exact Sciences
Classification: Likely benign for KLHL7-related condition. Last evaluated: 2025-10-24. Review status: criteria provided, single submitter. Criteria: ACMG Guidelines, 2015. Collection method: clinical testing. Allele origin: germline.
Comment: This variant is classified as likely benign based on ACMG/AMP sequence variant interpretation guidelines (Richards et al. 2015 PMID: 25741868, with internal and published modifications).

Labcorp Genetics (formerly Invitae), Labcorp
Classification: Likely benign. Last evaluated: 2024-11-11. Review status: criteria provided, single submitter. Criteria: Invitae Variant Classification Sherloc (09022015). Collection method: clinical testing. Allele origin: germline.

Blueprint Genetics
Classification: Likely benign. Last evaluated: 2024-10-01. Review status: criteria provided, single submitter. Criteria: ACMG Guidelines, 2015. Collection method: clinical testing. Allele origin: germline.

NM_001031710.3(KLHL7):c.813A>G (p.Leu271=)

Gene: KLHL7 (kelch like family member 7; plus strand). Cytogenetic location: 7p15.3.
Variant type: single nucleotide variant.
Coding change: c.813A>G on transcript NM_001031710.3 (MANE Select); coding-DNA position 813, A replaced by G.
Protein change: p.Leu271=; no amino-acid change (leucine 271 retained).
Molecular consequence: synonymous variant. On other transcripts: non-coding transcript variant (1).
Genome position (GRCh38, 1-based): chr7:23,152,086, A>G. VCF-style: chr7-23152086-A-G. GRCh37 (hg19) VCF-style: chr7-23191705-A-G.
Other names: c.813A>G (NM_001031710.2); c.669A>G, p.Leu223= (NM_018846.5).
Identifiers: ClinVar variation 1136033 (VCV001136033.11), dbSNP rs745666303, ClinGen allele CA4186496.